The following is an entry in ClinVar:

NM_022367.4(SEMA4A):c.300+15G>T

Gene: SEMA4A (semaphorin 4A; plus strand). Cytogenetic location: 1q22.
Variant type: single nucleotide variant.
Coding change: c.300+15G>T on transcript NM_022367.4 (MANE Select); 15 bases into the intron after coding-DNA position 300, G replaced by T.
Molecular consequence: intron variant.
Genome position (GRCh38, 1-based): chr1:156,156,589, G>T. VCF-style: chr1-156156589-G-T. GRCh37 (hg19) VCF-style: chr1-156126380-G-T.
Other names: c.-225+15G>T (NM_001370571.1, NM_001370569.1); c.300+15G>T (NM_001193300.2, NM_001193301.2, NM_001370567.1); c.3+15G>T (NM_001370568.1, NM_001193302.2).
Identifiers: ClinVar variation 2105484 (VCV002105484.4), dbSNP rs764500462, ClinGen allele CA2580061168.
Genomic context (GRCh38, chr1:156,156,589, plus strand): 5'-GGCCTTGGATATCCAGGATCCAGGGGTCCCCAGGCTAAAGAACATGGTGAGGAGTCCAGG[G>T]ATAAAGAGTGTGGGCTGGGAGTGAAGAGGGGGCCGGCAGCTACCCTGGGCTTGGCTGCCT-3'

ClinVar aggregate classification (germline): Uncertain significance (1 of 4 stars; one submission).

Submission:

Labcorp Genetics (formerly Invitae), Labcorp
Classification: Uncertain significance. Last evaluated: 2022-03-01. Review status: criteria provided, single submitter. Criteria: Invitae Variant Classification Sherloc (09022015). Collection method: clinical testing. Allele origin: germline.
Comment: In summary, the available evidence is currently insufficient to determine the role of this variant in disease. Therefore, it has been classified as a Variant of Uncertain Significance. Algorithms developed to predict the effect of sequence changes on RNA splicing suggest that this variant may create or strengthen a splice site. This variant has not been reported in the literature in individuals affected with SEMA4A-related conditions. This variant is not present in population databases (gnomAD no frequency). This sequence change falls in intron 3 of the SEMA4A gene. It does not directly change the encoded amino acid sequence of the SEMA4A protein.